The following is an entry in ClinVar:

ClinVar aggregate classification (germline): Likely benign (1 of 4 stars; one submission).

Submission:

CeGaT Center for Human Genetics Tuebingen
Classification: Likely benign. Last evaluated: 2026-05-01. Review status: criteria provided, single submitter. Criteria: CeGaT Center For Human Genetics Tuebingen Variant Classification Criteria Version 2. Collection method: clinical testing. Allele origin: germline. Affected: yes. Observed: 3 variant alleles.
Comment: ZMYND8: BS2

NM_001281775.3(ZMYND8):c.235-1984_235-1983insACACATAC

Gene: ZMYND8 (zinc finger MYND-type containing 8; minus strand). Cytogenetic location: 20q13.12.
Variant type: Microsatellite.
Coding change: c.235-1984_235-1983insACACATAC on transcript NM_001281775.3 (MANE Select); 1984 bases into the intron before coding-DNA position 235 through 1983 bases into the intron before coding-DNA position 235, ACACATAC inserted.
Molecular consequence: intron variant.
Genome position: GRCh38 VCF-style: chr20-47300930-G-GTGTGTGTA. GRCh37 (hg19) VCF-style: chr20-45929674-G-GTGTGTGTA.
Other names: c.235-2059_235-2058insACACATAC (NM_001281781.3, NM_001281784.3, NM_001281771.3 and 4 more transcripts); c.235-1984_235-1983insACACATAC (NM_001281776.3, NM_012408.6, NM_183047.4 and 2 more transcripts); c.-701-1984_-701-1983insACACATAC (NM_001281780.3, NM_001281779.3); c.175-1984_175-1983insACACATAC (NM_001281774.3, NM_001281773.3, NM_001363741.2); c.250-2059_250-2058insACACATAC (NM_001281772.3); c.256-1984_256-1983insACACATAC (NM_001363714.1).
Identifiers: ClinVar variation 4281237 (VCV004281237.7).